The following is an entry in ClinVar:

ClinVar aggregate classification (germline): Uncertain significance (1 of 4 stars; one submission).

Conditions:
Microcephaly 9, primary, autosomal recessive. Identifiers: Orphanet 2512, MedGen C3553886, MONDO:0013923, OMIM 614852.
Seckel syndrome 5 (SCKL5). Identifiers: Orphanet 808, MedGen C3151187, MONDO:0013443, OMIM 613823.

Submission:

Juno Genomics, Hangzhou Juno Genomics, Inc
Classification: Uncertain significance for Microcephaly 9, primary, autosomal recessive; Seckel syndrome 5. Review status: criteria provided, single submitter. Criteria: ACMG Guidelines, 2015. Collection method: clinical testing. Allele origin: germline. Affected: yes.
Comment: Absent from controls (or at extremely low frequency if recessive) in Genome Aggregation Database, Exome Sequencing Project, 1000 Genomes Project, or Exome Aggregation Consortium.;Multiple lines of computational evidence support a deleterious effect on the gene or gene product (conservation, evolutionary, splicing impact, etc).;For recessive disorders, detected in trans with a pathogenic variant.;Patient's phenotype or family history is highly specific for a disease with a single genetic etiology.

NM_001194998.2(CEP152):c.3346-5T>C

Gene: CEP152 (centrosomal protein 152; minus strand). Cytogenetic location: 15q21.1.
Variant type: single nucleotide variant.
Coding change: c.3346-5T>C on transcript NM_001194998.2 (MANE Select); 5 bases into the intron before coding-DNA position 3346, T replaced by C.
Molecular consequence: intron variant.
Genome position (GRCh38, 1-based): chr15:48,752,474, A>G on the plus strand (T>C on the coding strand, the complement: CEP152 is on the minus strand). VCF-style: chr15-48752474-A-G. GRCh37 (hg19) VCF-style: chr15-49044671-A-G.
Other names: c.3346-5T>C (NM_014985.4).
Identifiers: ClinVar variation 3382300 (VCV003382300.2).